The following is an entry in ClinVar:

ClinVar aggregate classification (germline): Uncertain significance. Review status: criteria provided, multiple submitters, no conflicts (2 of 4 stars). 2 submissions from 2 submitters: Uncertain significance (2). Last evaluated 2025-02-17.

Allele frequency attached by ClinVar (database versions not stated): gnomAD exomes below 0.00001; ExAC 0.00001; gnomAD 0.00001; TOPMed 0.00001; 1000 Genomes Project 30x 0.00016; 1000 Genomes Project 0.00020.
gnomAD v4.1: 4 of 1,605,188 alleles (0.00025%); highest among the groups gnomAD compares: African/African-American, 0.0027%; no homozygotes.

Submissions (2):

Labcorp Genetics (formerly Invitae), Labcorp
Classification: Uncertain significance. Last evaluated: 2025-02-17. Review status: criteria provided, single submitter. Criteria: Invitae Variant Classification Sherloc (09022015). Collection method: clinical testing. Allele origin: germline.
Comment: This sequence change affects an acceptor splice site in intron 9 of the CASQ1 gene. It is expected to disrupt RNA splicing. Variants that disrupt the donor or acceptor splice site typically lead to a loss of protein function (PMID: 16199547), however the current clinical and genetic evidence is not sufficient to establish whether loss-of-function variants in CASQ1 cause disease. This variant is present in population databases (rs561539993, gnomAD 0.003%). This variant has not been reported in the literature in individuals affected with CASQ1-related conditions. ClinVar contains an entry for this variant (Variation ID: 2637619). Algorithms developed to predict the effect of sequence changes on RNA splicing suggest that this variant may disrupt the consensus splice site. In summary, the available evidence is currently insufficient to determine the role of this variant in disease. Therefore, it has been classified as a Variant of Uncertain Significance.

Women's Health and Genetics/Laboratory Corporation of America, LabCorp
Classification: Uncertain significance. Last evaluated: 2023-10-06. Review status: criteria provided, single submitter. Criteria: LabCorp Variant Classification Summary - May 2015. Collection method: clinical testing. Allele origin: germline.
Comment: Variant summary: CASQ1 c.985-1G>A is located in a canonical splice-site and is predicted to affect mRNA splicing resulting in a significantly altered protein due to either exon skipping, shortening, or inclusion of intronic material. Currently available evidence is insufficient to determine whether loss-of-function variants in the CASQ1 gene can cause disease. Several computational tools predict a significant impact on normal splicing: Four predict the variant abolishes a 3' acceptor site. However, these predictions have yet to be confirmed by functional studies. The variant allele was found at a frequency of 4e-06 in 251428 control chromosomes (gnomAD). The available data on variant occurrences in the general population are insufficient to allow any conclusion about variant significance. To our knowledge, no occurrence of c.985-1G>A in individuals affected with Myopathy Due To Calsequestrin And SERCA1 Protein Overload and no experimental evidence demonstrating its impact on protein function have been reported. No submitters have reported clinical-significance assessments for this variant to ClinVar after 2014. Based on the evidence outlined above, the variant was classified as uncertain significance.

Literature cited by the submitters: PubMed 16199547 (cited by Labcorp Genetics (formerly Invitae), Labcorp).

NM_001231.5(CASQ1):c.985-1G>A

Gene: CASQ1 (calsequestrin 1; plus strand). Cytogenetic location: 1q23.2.
Variant type: single nucleotide variant.
Coding change: c.985-1G>A on transcript NM_001231.5 (MANE Select); the canonical splice acceptor site of the intron before coding-DNA position 985, G replaced by A.
Molecular consequence: splice acceptor variant.
Genome position (GRCh38, 1-based): chr1:160,199,850, G>A. VCF-style: chr1-160199850-G-A. GRCh37 (hg19) VCF-style: chr1-160169640-G-A.
Identifiers: ClinVar variation 2637619 (VCV002637619.2), dbSNP rs561539993, ClinGen allele CA1196430.
Genomic context (GRCh38, chr1:160,199,850, plus strand): 5'-CCTCCTGGATTCATGTGCTCCCTAGTATCTATTAAGTTGCTGTATTTTGATCTCTCTACA[G>A]CTGGTCCCATACTGGGAGAAGACGTTTGACATCGACTTGTCAGCCCCACAAATAGGAGTC-3'